The following is an entry in ClinVar:

ClinVar aggregate classification (germline): Uncertain significance (1 of 4 stars; one submission).

Conditions:
Fanconi anemia complementation group J. Also called: BRIP1-Related Fanconi Anemia. Identifiers: Orphanet 84, MedGen C1836860, MONDO:0012187, OMIM 609054.
Familial cancer of breast. Also called: Hereditary breast cancer; hereditary breast carcinoma; BREAST CANCER, FAMILIAL. Identifiers: Orphanet 227535, MedGen C0346153, MONDO:0016419, OMIM 114480. Disease mechanism: loss of function.

Submission:

Labcorp Genetics (formerly Invitae), Labcorp
Classification: Uncertain significance for Familial cancer of breast; Fanconi anemia complementation group J. Last evaluated: 2025-12-28. Review status: criteria provided, single submitter. Criteria: Invitae Variant Classification Sherloc (09022015). Collection method: clinical testing. Allele origin: germline.
Comment: This sequence change replaces isoleucine, which is neutral and non-polar, with asparagine, which is neutral and polar, at codon 784 of the BRIP1 protein (p.Ile784Asn). This variant is not present in population databases (gnomAD no frequency). This variant has not been reported in the literature in individuals affected with BRIP1-related conditions. Invitae Evidence Modeling of protein sequence and biophysical properties (such as structural, functional, and spatial information, amino acid conservation, physicochemical variation, residue mobility, and thermodynamic stability) indicates that this missense variant is expected to disrupt BRIP1 protein function with a positive predictive value of 95%. In summary, the available evidence is currently insufficient to determine the role of this variant in disease. Therefore, it has been classified as a Variant of Uncertain Significance.

NM_032043.3(BRIP1):c.2351T>A (p.Ile784Asn)

Gene: BRIP1 (BRCA1 interacting DNA helicase 1; minus strand). Cytogenetic location: 17q23.2.
Variant type: single nucleotide variant.
Coding change: c.2351T>A on transcript NM_032043.3 (MANE Select); coding-DNA position 2351, T replaced by A.
Protein change: p.Ile784Asn; replaces isoleucine 784 with asparagine.
Molecular consequence: missense variant.
Genome position (GRCh38, 1-based): chr17:61,743,041, A>T on the plus strand (T>A on the coding strand, the complement: BRIP1 is on the minus strand). VCF-style: chr17-61743041-A-T. GRCh37 (hg19) VCF-style: chr17-59820402-A-T.
Other names: short protein forms I784N.
Identifiers: ClinVar variation 4783564 (VCV004783564.1).
Genomic context (GRCh38, chr17:61,743,041, plus strand): 5'-TAATAATAAAACTTAAGGTTTTGATGGCCTACCTGTAGATCTTTCACATTTGGAAAAGGA[A>T]TTCCTATTGTTATGACAGCACGGGCATTGTCATCTGAGAAATCCAGACCCTCACTCACTT-3'
Protein context (NP_114432.2, residues 774-794): DNARAVITIG[Ile784Asn]PFPNVKDLQV